The following is an entry in ClinVar:

ClinVar aggregate classification (germline): Uncertain significance. Review status: criteria provided, multiple submitters, no conflicts (2 of 4 stars). 2 submissions from 2 submitters: Uncertain significance (2). Last evaluated 2025-09-16.

Conditions:
Hereditary cancer-predisposing syndrome. Also called: Tumor predisposition; Neoplastic Syndromes, Hereditary; Hereditary Cancer Syndrome; Hereditary neoplastic syndrome. Identifiers: Orphanet 140162, MedGen C0027672, MeSH D009386, MONDO:0015356.
Pheochromocytoma/paraganglioma syndrome 3. Also called: GLOMUS TUMORS, FAMILIAL, 3; SDHC-Related Hereditary Paraganglioma-Pheochromocytoma Syndrome; SDHC-Related Hereditary Paraganglioma-Pheochromocytoma Syndrome (Paragangliomas 3); Paragangliomas 3. Identifiers: Orphanet 29072, MedGen C1854336, MONDO:0011544, OMIM 605373.
Gastrointestinal stromal tumor. Also called: Gastrointestinal stroma tumor; Gastrointestinal stromal tumor, somatic. Identifiers: Orphanet 44890, MedGen C0238198, MeSH D046152, MONDO:0011719, OMIM 606764, HP:0100723.

Submissions (2):

Ambry Genetics
Classification: Uncertain significance for Hereditary cancer-predisposing syndrome. Last evaluated: 2025-09-16. Review status: criteria provided, single submitter. Criteria: Ambry Variant Classification Scheme 2023. Collection method: clinical testing. Allele origin: germline.
Comment: The p.G142V variant (also known as c.425G>T), located in coding exon 6 of the SDHC gene, results from a G to T substitution at nucleotide position 425. The glycine at codon 142 is replaced by valine, an amino acid with dissimilar properties. This amino acid position is highly conserved in available vertebrate species. In addition, this alteration is predicted to be deleterious by in silico analysis. Based on the available evidence, the clinical significance of this variant remains unclear.

Labcorp Genetics (formerly Invitae), Labcorp
Classification: Uncertain significance for Pheochromocytoma/paraganglioma syndrome 3; Gastrointestinal stromal tumor. Last evaluated: 2025-03-16. Review status: criteria provided, single submitter. Criteria: Invitae Variant Classification Sherloc (09022015). Collection method: clinical testing. Allele origin: germline.
Comment: This sequence change replaces glycine, which is neutral and non-polar, with valine, which is neutral and non-polar, at codon 142 of the SDHC protein (p.Gly142Val). This variant is not present in population databases (gnomAD no frequency). This variant has not been reported in the literature in individuals affected with SDHC-related conditions. ClinVar contains an entry for this variant (Variation ID: 1739163). Invitae Evidence Modeling of protein sequence and biophysical properties (such as structural, functional, and spatial information, amino acid conservation, physicochemical variation, residue mobility, and thermodynamic stability) indicates that this missense variant is expected to disrupt SDHC protein function with a positive predictive value of 80%. In summary, the available evidence is currently insufficient to determine the role of this variant in disease. Therefore, it has been classified as a Variant of Uncertain Significance.

NM_003001.5(SDHC):c.425G>T (p.Gly142Val)

Gene: SDHC (succinate dehydrogenase complex subunit C; plus strand). Cytogenetic location: 1q23.3.
Variant type: single nucleotide variant.
Coding change: c.425G>T on transcript NM_003001.5 (MANE Select); coding-DNA position 425, G replaced by T.
Protein change: p.Gly142Val; replaces glycine 142 with valine.
Molecular consequence: missense variant.
Genome position (GRCh38, 1-based): chr1:161,362,348, G>T. VCF-style: chr1-161362348-G-T. GRCh37 (hg19) VCF-style: chr1-161332138-G-T.
Other names: c.261G>T, p.Arg87Ser (NM_001035511.3); c.323G>T, p.Gly108Val (NM_001035512.3); c.266G>T, p.Gly89Val (NM_001035513.3); c.159G>T, p.Arg53Ser (NM_001278172.3); c.545G>T, p.Gly182Val (NM_001407115.1); c.368G>T, p.Gly123Val (NM_001407116.1); c.362G>T, p.Gly121Val (NM_001407117.1); c.317G>T, p.Gly106Val (NM_001407118.1); and 2 more; short protein forms G123V, G142V, G121V, R68S, R87S, G105V, G106V, G182V.
Identifiers: ClinVar variation 1739163 (VCV001739163.4), dbSNP rs2102385096, ClinGen allele CA343457620.